The following is an entry in ClinVar:

ClinVar aggregate classification (germline): Likely benign. Review status: criteria provided, multiple submitters, no conflicts (2 of 4 stars). 3 submissions from 3 submitters: Likely benign (3). Last evaluated 2026-08-26.

Conditions:
TTLL5-related disorder. Also called: TTLL5-related condition.

Allele frequency attached by ClinVar (database versions not stated): TOPMed below 0.00001; gnomAD 0.00001; gnomAD exomes 0.00004 and 0.00007; ExAC 0.00009.
gnomAD v4.1: 62 of 1,607,766 alleles (0.0039%); highest among the groups gnomAD compares: South Asian, 0.058%; no homozygotes.

Submissions (3):

PreventionGenetics, part of Exact Sciences
Classification: Likely benign for TTLL5-related condition. Last evaluated: 2026-08-26. Review status: criteria provided, single submitter. Criteria: ACMG Guidelines, 2015. Collection method: clinical testing. Allele origin: germline.
Comment: This variant is classified as likely benign based on ACMG/AMP sequence variant interpretation guidelines (Richards et al. 2015 PMID: 25741868, with internal and published modifications).

Labcorp Genetics (formerly Invitae), Labcorp
Classification: Likely benign. Last evaluated: 2025-12-17. Review status: criteria provided, single submitter. Criteria: Invitae Variant Classification Sherloc (09022015). Collection method: clinical testing. Allele origin: germline.

Blueprint Genetics
Classification: Likely benign. Last evaluated: 2021-06-24. Review status: criteria provided, single submitter. Criteria: ACMG Guidelines, 2015. Collection method: clinical testing. Allele origin: germline.

NM_015072.5(TTLL5):c.3331C>T (p.Leu1111=)

Gene: TTLL5 (tubulin tyrosine ligase like 5; plus strand). Cytogenetic location: 14q24.3.
Variant type: single nucleotide variant.
Coding change: c.3331C>T on transcript NM_015072.5 (MANE Select); coding-DNA position 3331, C replaced by T.
Protein change: p.Leu1111=; no amino-acid change (leucine 1111 retained).
Molecular consequence: synonymous variant.
Genome position (GRCh38, 1-based): chr14:75,863,671, C>T. VCF-style: chr14-75863671-C-T. GRCh37 (hg19) VCF-style: chr14-76330014-C-T.
Other names: c.3331C>T (NM_015072.4).
Identifiers: ClinVar variation 1083804 (VCV001083804.11), dbSNP rs758786838, ClinGen allele CA7279991.